The following is an entry in ClinVar:

NM_001354483.2(CSGALNACT1):c.291G>T (p.Gln97His)

Gene: CSGALNACT1 (chondroitin sulfate N-acetylgalactosaminyltransferase 1; minus strand). Cytogenetic location: 8p21.3.
Variant type: single nucleotide variant.
Coding change: c.291G>T on transcript NM_001354483.2 (MANE Select); coding-DNA position 291, G replaced by T.
Protein change: p.Gln97His; replaces glutamine 97 with histidine.
Molecular consequence: missense variant. On other transcripts: non-coding transcript variant (7).
Genome position (GRCh38, 1-based): chr8:19,505,544, C>A on the plus strand (G>T on the coding strand, the complement: CSGALNACT1 is on the minus strand). VCF-style: chr8-19505544-C-A. GRCh37 (hg19) VCF-style: chr8-19363055-C-A.
Other names: c.291G>T, p.Gln97His (NM_001130518.2, NM_001354475.2, NM_001354476.2 and 18 more transcripts); short protein forms Q97H.
Identifiers: ClinVar variation 2146911 (VCV002146911.1), dbSNP rs560141469, ClinGen allele CA4654296.
Genomic context (GRCh38, chr8:19,505,544, plus strand): 5'-CTGGGTTTTCTCTGGGGGGCTCCTGTCCAGACCCAGGCCAGCAGCATCGCTGGCTTGGTA[C>A]TGCCCATTCCTGAGCTGCTCACTCCTCTCCTGCAGCTCCTCCTTGAGCTGTGCGATCTGC-3'
Protein context (NP_001341412.1, residues 87-107): QERSEQLRNG[Gln97His]YQASDAAGLG

ClinVar aggregate classification (germline): Uncertain significance (1 of 4 stars; one submission).

Allele frequency attached by ClinVar (database versions not stated): ExAC 0.00002; gnomAD 0.00003; TOPMed 0.00003; 1000 Genomes Project 30x 0.00031; 1000 Genomes Project 0.00040.
gnomAD v4.1: 20 of 1,613,932 alleles (0.0012%); highest among the groups gnomAD compares: East Asian, 0.045%; no homozygotes.

Submission:

Labcorp Genetics (formerly Invitae), Labcorp
Classification: Uncertain significance. Last evaluated: 2022-07-11. Review status: criteria provided, single submitter. Criteria: Invitae Variant Classification Sherloc (09022015). Collection method: clinical testing. Allele origin: germline.
Comment: This sequence change replaces glutamine, which is neutral and polar, with histidine, which is basic and polar, at codon 97 of the CSGALNACT1 protein (p.Gln97His). This variant is present in population databases (rs560141469, gnomAD 0.06%). This variant has not been reported in the literature in individuals affected with CSGALNACT1-related conditions. Algorithms developed to predict the effect of missense changes on protein structure and function are either unavailable or do not agree on the potential impact of this missense change (SIFT: "Tolerated"; PolyPhen-2: "Probably Damaging"; Align-GVGD: "Class C0"). In summary, the available evidence is currently insufficient to determine the role of this variant in disease. Therefore, it has been classified as a Variant of Uncertain Significance.